The following is an entry in ClinVar:

ClinVar aggregate classification (germline): Uncertain significance (1 of 4 stars; one submission).

Conditions:
Palmoplantar keratoderma-esophageal carcinoma syndrome (TOC). Also called: KERATOSIS PALMARIS ET PLANTARIS WITH ESOPHAGEAL CANCER; Tylosis with Esophageal Cancer; PALMOPLANTAR KERATODERMA WITH ESOPHAGEAL CANCER. Identifiers: Orphanet 2198, MedGen C1835664, MONDO:0007856, OMIM 148500.

Allele frequency attached by ClinVar (database versions not stated): gnomAD exomes below 0.00001; ExAC 0.00002.
gnomAD v4.1: 1 of 1,603,886 alleles (0.000062%); highest among the groups gnomAD compares: Non-Finnish European, 0.000085%; no homozygotes.

Submission:

Baylor Genetics
Classification: Uncertain significance for Palmoplantar keratoderma-esophageal carcinoma syndrome. Last evaluated: 2021-01-12. Review status: criteria provided, single submitter. Criteria: ACMG Guidelines, 2015. Collection method: clinical testing. Allele origin: unknown. Affected: yes. Study: CSER-TexasKidsCanSeq.
Comment: This variant was determined to be of uncertain significance according to ACMG Guidelines, 2015 [PMID:25741868].

NM_001005498.4(RHBDF2):c.1106A>T (p.Asp369Val)

Gene: RHBDF2 (rhomboid 5 homolog 2; minus strand). Cytogenetic location: 17q25.1.
Variant type: single nucleotide variant.
Coding change: c.1106A>T on transcript NM_001005498.4 (MANE Select); coding-DNA position 1106, A replaced by T.
Protein change: p.Asp369Val; replaces aspartic acid 369 with valine.
Molecular consequence: missense variant. On other transcripts: non-coding transcript variant (3).
Genome position (GRCh38, 1-based): chr17:76,476,839, T>A on the plus strand (A>T on the coding strand, the complement: RHBDF2 is on the minus strand). VCF-style: chr17-76476839-T-A. GRCh37 (hg19) VCF-style: chr17-74472921-T-A.
Other names: c.1106A>T, p.Asp369Val (NM_001376228.1, NM_001376229.1, NM_001376230.1); c.1193A>T, p.Asp398Val (NM_024599.5); short protein forms D369V, D398V.
Identifiers: ClinVar variation 1327090 (VCV001327090.1), dbSNP rs769453458, ClinGen allele CA8787128.